The following is an entry in ClinVar:

NM_001197104.2(KMT2A):c.6098G>A (p.Cys2033Tyr)

Gene: KMT2A (lysine methyltransferase 2A; plus strand). Cytogenetic location: 11q23.3.
Variant type: single nucleotide variant.
Coding change: c.6098G>A on transcript NM_001197104.2 (MANE Select); coding-DNA position 6098, G replaced by A.
Protein change: p.Cys2033Tyr; replaces cysteine 2033 with tyrosine.
Molecular consequence: missense variant.
Genome position (GRCh38, 1-based): chr11:118,499,853, G>A. VCF-style: chr11-118499853-G-A. GRCh37 (hg19) VCF-style: chr11-118370568-G-A.
Other names: c.6188G>A, p.Cys2063Tyr (NM_001412597.1); c.6089G>A, p.Cys2030Tyr (NM_005933.4); short protein forms C2030Y, C2033Y, C2063Y.
Identifiers: ClinVar variation 2111516 (VCV002111516.4), dbSNP rs2496973106, ClinGen allele CA382799786.
Genomic context (GRCh38, chr11:118,499,853, plus strand): 5'-CGCTCATAATCTTCTCTAATCGGTTCTTCTTTCCTTGGTCAGGGTCTATGACAATCGACT[G>A]CTTAGGAATTCTAAATGATCTCTCCGACTGTGAAGATAAGCTCTTTCCTATTGGATATCA-3'
Protein context (NP_001184033.1, residues 2023-2043): HMMIGSMTID[Cys2033Tyr]LGILNDLSDC

ClinVar aggregate classification (germline): Uncertain significance (1 of 4 stars; one submission).

Submission:

Labcorp Genetics (formerly Invitae), Labcorp
Classification: Uncertain significance. Last evaluated: 2022-03-14. Review status: criteria provided, single submitter. Criteria: Invitae Variant Classification Sherloc (09022015). Collection method: clinical testing. Allele origin: germline.
Comment: In summary, the available evidence is currently insufficient to determine the role of this variant in disease. Therefore, it has been classified as a Variant of Uncertain Significance. Advanced modeling of protein sequence and biophysical properties (such as structural, functional, and spatial information, amino acid conservation, physicochemical variation, residue mobility, and thermodynamic stability) performed at Invitae indicates that this missense variant is expected to disrupt KMT2A protein function. This variant has not been reported in the literature in individuals affected with KMT2A-related conditions. This variant is not present in population databases (gnomAD no frequency). This sequence change replaces cysteine, which is neutral and slightly polar, with tyrosine, which is neutral and polar, at codon 2033 of the KMT2A protein (p.Cys2033Tyr).